The following is an entry in ClinVar:

NM_019892.6(INPP5E):c.500G>A (p.Ser167Asn)

Gene: INPP5E (inositol polyphosphate-5-phosphatase E; minus strand). Cytogenetic location: 9q34.3.
Variant type: single nucleotide variant.
Coding change: c.500G>A on transcript NM_019892.6 (MANE Select); coding-DNA position 500, G replaced by A.
Protein change: p.Ser167Asn; replaces serine 167 with asparagine.
Molecular consequence: missense variant.
Genome position (GRCh38, 1-based): chr9:136,438,920, C>T on the plus strand (G>A on the coding strand, the complement: INPP5E is on the minus strand). VCF-style: chr9-136438920-C-T. GRCh37 (hg19) VCF-style: chr9-139333372-C-T.
Other names: c.500G>A, p.Ser167Asn (NM_001318502.2); short protein forms S167N.
Identifiers: ClinVar variation 2110261 (VCV002110261.4), dbSNP rs2538893441, ClinGen allele CA375568592.
Genomic context (GRCh38, chr9:136,438,920, plus strand): 5'-CTGGGCAGCCTGGGCGAGCTCCCCGCCACGGCGGCGTCTCTGTGCGGGAGGTTCGGGGAG[C>T]TGCTGGCCACCCCAGAGAGAGGGTTACCCCCCGAGGACGGGCTCCCTCTCTCACTGCTCA-3'
Protein context (NP_063945.2, residues 157-177): GGNPLSGVAS[Ser167Asn]SPNLPHRDAA

ClinVar aggregate classification (germline): Uncertain significance (1 of 4 stars; one submission).

Conditions:
Joubert syndrome. Also called: CEREBELLOPARENCHYMAL DISORDER IV; JOUBERT-BOLTSHAUSER SYNDROME; Familial aplasia of the vermis. Identifiers: Orphanet 475, MedGen C5979921, MONDO:0018772.

Submission:

Labcorp Genetics (formerly Invitae), Labcorp
Classification: Uncertain significance for Joubert syndrome. Last evaluated: 2022-03-12. Review status: criteria provided, single submitter. Criteria: Invitae Variant Classification Sherloc (09022015). Collection method: clinical testing. Allele origin: germline.
Comment: This variant has not been reported in the literature in individuals affected with INPP5E-related conditions. This sequence change replaces serine, which is neutral and polar, with asparagine, which is neutral and polar, at codon 167 of the INPP5E protein (p.Ser167Asn). This variant is not present in population databases (gnomAD no frequency). Advanced modeling of protein sequence and biophysical properties (such as structural, functional, and spatial information, amino acid conservation, physicochemical variation, residue mobility, and thermodynamic stability) performed at Invitae indicates that this missense variant is not expected to disrupt INPP5E protein function. In summary, the available evidence is currently insufficient to determine the role of this variant in disease. Therefore, it has been classified as a Variant of Uncertain Significance.